The following is an entry in ClinVar:

ClinVar aggregate classification (germline): Uncertain significance (1 of 4 stars; one submission).

Conditions:
Cystic fibrosis (CF). Also called: MUCOVISCIDOSIS. Identifiers: Orphanet 586, MedGen C0010674, MONDO:0009061, OMIM 219700. Disease mechanism: loss of function.

Allele frequency attached by ClinVar (database versions not stated): gnomAD 0.00001.
gnomAD v4.1: 9 of 1,613,218 alleles (0.00056%); highest among the groups gnomAD compares: African/African-American, 0.0013%; no homozygotes.

Submission:

Ambry Genetics
Classification: Uncertain significance for Cystic fibrosis. Last evaluated: 2015-09-16. Review status: criteria provided, single submitter. Criteria: Ambry Variant Classification Scheme 2023. Collection method: clinical testing. Allele origin: germline.
Comment: The p.I521L variant (also known as c.1561A>C), located in coding exon 11 of the CFTR gene, results from an A to C substitution at nucleotide position 1561. The isoleucine at codon 521 is replaced by leucine, an amino acid with highly similar properties. This variant was not reported in population based cohorts in the following databases: Database of Single Nucleotide Polymorphisms (dbSNP), NHLBI Exome Sequencing Project (ESP), and 1000 Genomes Project. In the ESP, this variant was not observed in 6503 samples (13006 alleles) with coverage at this position. This amino acid position is well conserved in available vertebrate species. In addition, the in silico prediction for this alteration is inconclusive. Since supporting evidence is limited at this time, the clinical significance of this variant remains unclear.

NM_000492.4(CFTR):c.1561A>C (p.Ile521Leu)

Genes: CFTR-AS1 (CFTR antisense RNA 1; minus strand), CFTR (CF transmembrane conductance regulator; plus strand). Cytogenetic location: 7q31.2.
Variant type: single nucleotide variant.
Coding change: c.1561A>C on transcript NM_000492.4 (MANE Select); coding-DNA position 1561, A replaced by C.
Protein change: p.Ile521Leu; replaces isoleucine 521 with leucine.
Molecular consequence: missense variant.
Genome position (GRCh38, 1-based): chr7:117,559,632, A>C. VCF-style: chr7-117559632-A-C. GRCh37 (hg19) VCF-style: chr7-117199686-A-C.
Other names: short protein forms I521L.
Identifiers: ClinVar variation 1775268 (VCV001775268.2), dbSNP rs1360070384, ClinGen allele CA368984920.